The following is an entry in ClinVar:

ClinVar aggregate classification (germline): Uncertain significance. Review status: criteria provided, multiple submitters, no conflicts (2 of 4 stars). 2 submissions from 2 submitters: Uncertain significance (2). Last evaluated 2025-06-09.

Conditions:
Hereditary cancer-predisposing syndrome. Also called: Neoplastic Syndromes, Hereditary; Tumor predisposition; Hereditary Cancer Syndrome; Hereditary neoplastic syndrome. Identifiers: Orphanet 140162, MedGen C0027672, MeSH D009386, MONDO:0015356.

Submissions (2):

Labcorp Genetics (formerly Invitae), Labcorp
Classification: Uncertain significance. Last evaluated: 2025-06-09. Review status: criteria provided, single submitter. Criteria: Invitae Variant Classification Sherloc (09022015). Collection method: clinical testing. Allele origin: germline.
Comment: This sequence change replaces methionine, which is neutral and non-polar, with threonine, which is neutral and polar, at codon 606 of the CTNNA1 protein (p.Met606Thr). This variant is not present in population databases (gnomAD no frequency). This variant has not been reported in the literature in individuals affected with CTNNA1-related conditions. ClinVar contains an entry for this variant (Variation ID: 1780695). Invitae Evidence Modeling of protein sequence and biophysical properties (such as structural, functional, and spatial information, amino acid conservation, physicochemical variation, residue mobility, and thermodynamic stability) indicates that this missense variant is not expected to disrupt CTNNA1 protein function with a negative predictive value of 80%. In summary, the available evidence is currently insufficient to determine the role of this variant in disease. Therefore, it has been classified as a Variant of Uncertain Significance.

Ambry Genetics
Classification: Uncertain significance for Hereditary cancer-predisposing syndrome. Last evaluated: 2021-05-10. Review status: criteria provided, single submitter. Criteria: Ambry Variant Classification Scheme 2023. Collection method: clinical testing. Allele origin: germline.
Comment: The p.M606T variant (also known as c.1817T>C), located in coding exon 12 of the CTNNA1 gene, results from a T to C substitution at nucleotide position 1817. The methionine at codon 606 is replaced by threonine, an amino acid with similar properties. This amino acid position is not well conserved in available vertebrate species. In addition, this alteration is predicted to be tolerated by in silico analysis. Since supporting evidence is limited at this time, the clinical significance of this alteration remains unclear.

NM_001903.5(CTNNA1):c.1817T>C (p.Met606Thr)

Gene: CTNNA1 (catenin alpha 1; plus strand). Cytogenetic location: 5q31.2.
Variant type: single nucleotide variant.
Coding change: c.1817T>C on transcript NM_001903.5 (MANE Select); coding-DNA position 1817, T replaced by C.
Protein change: p.Met606Thr; replaces methionine 606 with threonine.
Molecular consequence: missense variant.
Genome position (GRCh38, 1-based): chr5:138,925,325, T>C. VCF-style: chr5-138925325-T-C. GRCh37 (hg19) VCF-style: chr5-138261014-T-C.
Other names: c.1817T>C, p.Met606Thr (NM_001290307.3, NM_001323982.2, NM_001323983.1 and 2 more transcripts); c.1508T>C, p.Met503Thr (NM_001290309.3); c.1448T>C, p.Met483Thr (NM_001290310.3); c.707T>C, p.Met236Thr (NM_001290312.1, NM_001323987.1, NM_001323988.1 and 17 more transcripts); c.1724T>C, p.Met575Thr (NM_001323986.2); c.368T>C, p.Met123Thr (NM_001324006.1, NM_001324007.1, NM_001324008.1 and 2 more transcripts); c.614T>C, p.Met205Thr (NM_001324011.1); c.464T>C, p.Met155Thr (NM_001324012.1, NM_001324013.1); short protein forms M236T, M123T, M205T, M503T, M575T, M155T, M483T, M606T.
Identifiers: ClinVar variation 1780695 (VCV001780695.3), dbSNP rs2533734611, ClinGen allele CA361132265.
Genomic context (GRCh38, chr5:138,925,325, plus strand): 5'-GTTTTACTGAGCAAGTAGAAGCAGCCGTGGAAGCCCTCAGCTCGGACCCTGCCCAGCCCA[T>C]GGATGAGAATGAGTTTATCGATGCTTCCCGCCTGGTATATGATGGCATCCGGGACATCAG-3'
Protein context (NP_001894.2, residues 596-616): EALSSDPAQP[Met606Thr]DENEFIDASR